The following is an entry in ClinVar:

ClinVar aggregate classification (germline): Pathogenic. Review status: reviewed by expert panel (3 of 4 stars). 4 submissions from 4 submitters: Pathogenic (1). 3 of the submissions do not count toward it. Last evaluated 2016-10-18.

Conditions:
Breast-ovarian cancer, familial, susceptibility to, 2 (BROVCA2). Also called: BRCA2 Hereditary Breast and Ovarian Cancer. Identifiers: Orphanet 145, MedGen C2675520, MONDO:0012933, OMIM 612555. Disease mechanism: loss of function.
Hereditary breast ovarian cancer syndrome. Also called: BRCA1- and BRCA2-Associated Hereditary Breast and Ovarian Cancer; Hereditary breast and ovarian cancer; Breast and ovarian cancer; Hereditary breast and/or ovarian cancer syndrome; Hereditary breast and ovarian cancer syndrome; Hereditary breast and ovarian cancer syndrome (HBOC). Identifiers: Orphanet 145, MedGen C0677776, MeSH D061325, MONDO:0003582. Disease mechanism: loss of function.

Submissions (4):

Evidence-based Network for the Interpretation of Germline Mutant Alleles (ENIGMA)
Classification: Pathogenic for Breast-ovarian cancer, familial, susceptibility to, 2. Last evaluated: 2016-10-18. Review status: reviewed by expert panel. Criteria: ENIGMA BRCA1/2 Classification Criteria (2015). Collection method: curation. Allele origin: germline.
Comment: Variant allele predicted to encode a truncated non-functional protein.

Molecular Pathology, Peter Maccallum Cancer Centre
Classification: Pathogenic for Breast-ovarian cancer, familial, susceptibility to, 2. Last evaluated: 2025-04-02. Review status: criteria provided, single submitter. Criteria: ACMG Guidelines, 2015. Collection method: clinical testing. Allele origin: germline. Inheritance: Autosomal dominant inheritance. Not counted in ClinVar's aggregate classification.

Labcorp Genetics (formerly Invitae), Labcorp
Classification: Pathogenic for Hereditary breast ovarian cancer syndrome. Last evaluated: 2022-11-20. Review status: criteria provided, single submitter. Criteria: Invitae Variant Classification Sherloc (09022015). Collection method: clinical testing. Allele origin: germline. Not counted in ClinVar's aggregate classification.
Comment: This variant is not present in population databases (gnomAD no frequency). This sequence change creates a premature translational stop signal (p.Leu24*) in the BRCA2 gene. It is expected to result in an absent or disrupted protein product. Loss-of-function variants in BRCA2 are known to be pathogenic (PMID: 20104584). This premature translational stop signal has been observed in individual(s) with a personal and family history of breast and/or ovarian cancer (PMID: 21939546, 28294317, 29446198). ClinVar contains an entry for this variant (Variation ID: 266991). For these reasons, this variant has been classified as Pathogenic.

Consortium of Investigators of Modifiers of BRCA1/2 (CIMBA), c/o University of Cambridge
Classification: Pathogenic for Breast-ovarian cancer, familial, susceptibility to, 2. Last evaluated: 2015-10-02. Review status: criteria provided, single submitter. Criteria: CIMBA Mutation Classification guidelines May 2016. Collection method: clinical testing. Allele origin: germline. Not counted in ClinVar's aggregate classification.

Literature cited by the submitters: PubMed 20104584 (cited by Labcorp Genetics (formerly Invitae), Labcorp); PubMed 21939546 (cited by Labcorp Genetics (formerly Invitae), Labcorp); PubMed 28294317 (cited by Labcorp Genetics (formerly Invitae), Labcorp); PubMed 29446198 (cited by Labcorp Genetics (formerly Invitae), Labcorp).

NM_000059.4(BRCA2):c.71T>G (p.Leu24Ter)

Gene: BRCA2 (BRCA2 DNA repair associated; plus strand). Cytogenetic location: 13q13.1.
Variant type: single nucleotide variant.
Coding change: c.71T>G on transcript NM_000059.4 (MANE Select); coding-DNA position 71, T replaced by G.
Protein change: p.Leu24Ter; replaces leucine 24 with a stop codon.
Molecular consequence: nonsense.
Genome position (GRCh38, 1-based): chr13:32,319,080, T>G. VCF-style: chr13-32319080-T-G. GRCh37 (hg19) VCF-style: chr13-32893217-T-G.
Other names: 299T>G; short protein forms L24*.
Identifiers: ClinVar variation 266991 (VCV000266991.16), dbSNP rs397507902, ClinGen allele CA10589004.